The following is an entry in ClinVar:

NM_000702.4(ATP1A2):c.152G>T (p.Arg51Leu)

Gene: ATP1A2 (ATPase Na+/K+ transporting subunit alpha 2; plus strand). Cytogenetic location: 1q23.2.
Variant type: single nucleotide variant.
Coding change: c.152G>T on transcript NM_000702.4 (MANE Select); coding-DNA position 152, G replaced by T.
Protein change: p.Arg51Leu; replaces arginine 51 with leucine.
Molecular consequence: missense variant.
Genome position (GRCh38, 1-based): chr1:160,121,226, G>T. VCF-style: chr1-160121226-G-T. GRCh37 (hg19) VCF-style: chr1-160091016-G-T.
Other names: p.R51L:CGC>CTC; short protein forms R51L.
Identifiers: ClinVar variation 204901 (VCV000204901.11), dbSNP rs144106169, ClinGen allele CA313322.

ClinVar aggregate classification (germline): Uncertain significance. Review status: criteria provided, multiple submitters, no conflicts (2 of 4 stars). 2 submissions from 2 submitters: Uncertain significance (2). Last evaluated 2023-12-08.

Conditions:
Familial hemiplegic migraine. Identifiers: MedGen C0338484, MONDO:0000700.

Allele frequency attached by ClinVar (database versions not stated): TOPMed 0.00001.
gnomAD v4.1: 5 of 1,614,104 alleles (0.00031%); highest among the groups gnomAD compares: African/African-American, 0.0027%; no homozygotes.

Submissions (2):

Labcorp Genetics (formerly Invitae), Labcorp
Classification: Uncertain significance for Familial hemiplegic migraine. Last evaluated: 2023-12-08. Review status: criteria provided, single submitter. Criteria: Invitae Variant Classification Sherloc (09022015). Collection method: clinical testing. Allele origin: germline.
Comment: This sequence change replaces arginine, which is basic and polar, with leucine, which is neutral and non-polar, at codon 51 of the ATP1A2 protein (p.Arg51Leu). This variant is present in population databases (rs144106169, gnomAD 0.007%). This variant has not been reported in the literature in individuals affected with ATP1A2-related conditions. ClinVar contains an entry for this variant (Variation ID: 204901). Advanced modeling of protein sequence and biophysical properties (such as structural, functional, and spatial information, amino acid conservation, physicochemical variation, residue mobility, and thermodynamic stability) performed at Invitae indicates that this missense variant is not expected to disrupt ATP1A2 protein function with a negative predictive value of 80%. In summary, the available evidence is currently insufficient to determine the role of this variant in disease. Therefore, it has been classified as a Variant of Uncertain Significance.

GeneDx
Classification: Uncertain significance. Last evaluated: 2019-01-16. Review status: criteria provided, single submitter. Criteria: GeneDx Variant Classification (06012015). Collection method: clinical testing. Allele origin: germline. Affected: yes.
Comment: p.Arg51Leu (CGC>CTC): c.152 G>T in exon 3 of the ATP1A2 gene (NM_000702.3). The R51L variant has not been published as a mutation, nor has it been reported as a benign polymorphism to our knowledge. It was not observed in approximately 6,500 individuals of European and African American ancestry in the NHLBI Exome Sequencing Project, indicating it is not a common benign variant in these populations. The R51L variant is a non-conservative amino acid substitution, which is likely to impact secondary protein structure as these residues differ in polarity, charge, size and/or other properties. This substitution occurs at a position that is conserved across species. However, missense mutations in nearby residues have not been reported in association with ATP1A2-related disorders. In silico analysis is inconsistent in its predictions as to whether or not the variant is damaging to the protein structure/function. Therefore, based on the currently available information, it is unclear whether this variant is a pathogenic mutation or a rare benign variant. The variant is found in EPILEPSY panel(s).